The following is an entry in ClinVar:

ClinVar aggregate classification (germline): Uncertain significance (1 of 4 stars; one submission).

gnomAD v4.1: 112 of 1,576,612 alleles (0.0071%); highest among the groups gnomAD compares: Non-Finnish European, 0.0093%; no homozygotes.

Submission:

Labcorp Genetics (formerly Invitae), Labcorp
Classification: Uncertain significance. Last evaluated: 2024-08-21. Review status: criteria provided, single submitter. Criteria: Invitae Variant Classification Sherloc (09022015). Collection method: clinical testing. Allele origin: germline.
Comment: This sequence change replaces serine, which is neutral and polar, with asparagine, which is neutral and polar, at codon 5 of the MICAL1 protein (p.Ser5Asn). This variant also falls at the last nucleotide of exon 1, which is part of the consensus splice site for this exon. This variant is present in population databases (rs775871899, gnomAD 0.002%). This variant has not been reported in the literature in individuals affected with MICAL1-related conditions. Experimental studies and prediction algorithms are not available or were not evaluated, and the functional significance of this variant is currently unknown. Variants that disrupt the consensus splice site are a relatively common cause of aberrant splicing (PMID: 17576681, 9536098). Algorithms developed to predict the effect of sequence changes on RNA splicing suggest that this variant may disrupt the consensus splice site. In summary, the available evidence is currently insufficient to determine the role of this variant in disease. Therefore, it has been classified as a Variant of Uncertain Significance.

Literature cited by the submitters: PubMed 17576681; PubMed 9536098.

NC_000006.12:g.109465664C>T

Genes: MICAL1 (microtubule associated monooxygenase, calponin and LIM domain containing 1; minus strand), ZBTB24 (zinc finger and BTB domain containing 24; minus strand). Cytogenetic location: 6q21.
Variant type: single nucleotide variant.
Molecular consequence: 3 prime UTR variant (on NM_014797.3). On other transcripts: missense variant (1).
Genome position: GRCh38 VCF-style: chr6-109465664-C-T. GRCh37 (hg19) VCF-style: chr6-109786867-C-T.
Other names: c.14G>A, p.Ser5Asn (NM_001286613.2); c.*187G>A (NM_014797.3); short protein forms S5N.
Identifiers: ClinVar variation 3707271 (VCV003707271.2).